The following is an entry in ClinVar:

NM_016341.4(PLCE1):c.1513G>T (p.Val505Leu)

Gene: PLCE1 (phospholipase C epsilon 1; plus strand). Cytogenetic location: 10q23.33.
Variant type: single nucleotide variant.
Coding change: c.1513G>T on transcript NM_016341.4 (MANE Select); coding-DNA position 1513, G replaced by T.
Protein change: p.Val505Leu; replaces valine 505 with leucine.
Molecular consequence: missense variant.
Genome position (GRCh38, 1-based): chr10:94,171,200, G>T. VCF-style: chr10-94171200-G-T. GRCh37 (hg19) VCF-style: chr10-95930957-G-T.
Other names: p.Val505Leu; c.589G>T, p.Val197Leu (NM_001165979.2); c.1513G>T, p.Val505Leu (NM_001288989.2); short protein forms V197L, V505L.
Identifiers: ClinVar variation 4541564 (VCV004541564.1).
Genomic context (GRCh38, chr10:94,171,200, plus strand): 5'-CAGATTTGATGTAACCACGACTTCTGTTGCTTTGTTTTAGAACGCCAGCCAGGCCCCTCT[G>T]TGGCCAATTCCAATGCCCTCCCTTCAAGTTCAGCTGGGATCAGCAAGGAGCTGATCGATC-3'
Protein context (NP_057425.3, residues 495-515): MLKERQPGPS[Val505Leu]ANSNALPSSS

ClinVar aggregate classification (germline): Uncertain significance (1 of 4 stars; one submission).

gnomAD v4.1: 46 of 1,614,074 alleles (0.0028%); highest among the groups gnomAD compares: South Asian, 0.049%; no homozygotes.

Submission:

Mayo Clinic Laboratories, Mayo Clinic
Classification: Uncertain significance. Last evaluated: 2025-01-10. Review status: criteria provided, single submitter. Criteria: ACMG Guidelines, 2015. Collection method: clinical testing. Allele origin: germline. Observed: 1 variant allele.
Comment: BP4